The following is an entry in ClinVar:

NM_001384732.1(CPLANE1):c.7414G>A (p.Ala2472Thr)

Gene: CPLANE1 (ciliogenesis and planar polarity effector complex subunit 1; minus strand). Cytogenetic location: 5p13.2.
Variant type: single nucleotide variant.
Coding change: c.7414G>A on transcript NM_001384732.1 (MANE Select); coding-DNA position 7414, G replaced by A.
Protein change: p.Ala2472Thr; replaces alanine 2472 with threonine.
Molecular consequence: missense variant.
Genome position (GRCh38, 1-based): chr5:37,165,658, C>T on the plus strand (G>A on the coding strand, the complement: CPLANE1 is on the minus strand). VCF-style: chr5-37165658-C-T. GRCh37 (hg19) VCF-style: chr5-37165760-C-T.
Other names: c.7414G>A (NM_023073.3); c.7414G>A, p.Ala2472Thr (NM_023073.4); short protein forms A2472T.
Identifiers: ClinVar variation 1671809 (VCV001671809.11), dbSNP rs866330679, ClinGen allele CA3238059.
Genomic context (GRCh38, chr5:37,165,658, plus strand): 5'-AAGTCACATTTGGTTTTCTCCTCAGTTTCTCACATCTTTTTTCTTGCAGCTCTTTCTCAG[C>T]TCTTCTTCTTTGCCTGTTAAACATAATAGCATAAAACATACTTTTACAACTATAGCAACA-3'
Protein context (NP_001371661.1, residues 2462-2482): KDSKKRQRRR[Ala2472Thr]EKELQEKRCE

ClinVar aggregate classification (germline): Benign/Likely benign. Review status: criteria provided, multiple submitters, no conflicts (2 of 4 stars). 3 submissions from 3 submitters: Benign (1); Likely benign (1). 1 of the submissions does not count toward it. Last evaluated 2026-02-02.

Conditions:
CPLANE1-related disorder. Also called: CPLANE1-related condition.

Allele frequency attached by ClinVar (database versions not stated): gnomAD 0.00005; TOPMed 0.00014; ExAC 0.00024; gnomAD exomes 0.00027.
gnomAD v4.1: 81 of 1,606,858 alleles (0.005%); highest among the groups gnomAD compares: Admixed American, 0.14%; no homozygotes.

Submissions (3):

Labcorp Genetics (formerly Invitae), Labcorp
Classification: Benign. Last evaluated: 2026-02-02. Review status: criteria provided, single submitter. Criteria: Invitae Variant Classification Sherloc (09022015). Collection method: clinical testing. Allele origin: germline.

Blueprint Genetics
Classification: Likely benign. Last evaluated: 2023-02-02. Review status: criteria provided, single submitter. Criteria: ACMG Guidelines, 2015. Collection method: clinical testing. Allele origin: germline.

PreventionGenetics, part of Exact Sciences
Classification: Likely benign for CPLANE1-related condition. Last evaluated: 2022-03-14. Review status: no assertion criteria provided. Collection method: clinical testing. Allele origin: germline. Not counted in ClinVar's aggregate classification.
Comment: This variant is classified as likely benign based on ACMG/AMP sequence variant interpretation guidelines (Richards et al. 2015 PMID: 25741868, with internal and published modifications).